The following is an entry in ClinVar:

NM_000360.4(TH):c.1141C>A (p.Gln381Lys)

Gene: TH (tyrosine hydroxylase; minus strand). Cytogenetic location: 11p15.5.
Variant type: single nucleotide variant.
Coding change: c.1141C>A on transcript NM_000360.4 (MANE Select); coding-DNA position 1141, C replaced by A.
Protein change: p.Gln381Lys; replaces glutamine 381 with lysine.
Molecular consequence: missense variant.
Genome position (GRCh38, 1-based): chr11:2,165,727, G>T on the plus strand (C>A on the coding strand, the complement: TH is on the minus strand). VCF-style: chr11-2165727-G-T. GRCh37 (hg19) VCF-style: chr11-2186957-G-T.
Other names: c.1234C>A, p.Gln412Lys (NM_199292.3); c.1222C>A, p.Gln408Lys (NM_199293.3); short protein forms Q412K, Q381K, Q408K.
Identifiers: ClinVar variation 12324 (VCV000012324.11), dbSNP rs121917762, ClinGen allele CA278129.

ClinVar aggregate classification (germline): Pathogenic/Likely pathogenic. Review status: criteria provided, multiple submitters, no conflicts (2 of 4 stars). 5 submissions from 5 submitters: Pathogenic (2); Likely pathogenic (2). 1 of the submissions does not count toward it. Last evaluated 2024-10-28.

Conditions:
TH-deficient dopa-responsive dystonia. Also called: Tyrosine Hydroxylase-Deficient Dopa-Responsive Dystonia; DYT-TH; Segawa syndrome, autosomal recessive. Identifiers: Orphanet 101150, MedGen C2673535, MONDO:0011551, OMIM 605407.

Allele frequency attached by ClinVar (database versions not stated): gnomAD 0.00001; TOPMed 0.00001.
gnomAD v4.1: 8 of 1,612,614 alleles (0.0005%); highest among the groups gnomAD compares: Non-Finnish European, 0.00068%; no homozygotes.

Submissions (5):

Natera, Inc.
Classification: Likely pathogenic for Autosomal recessive Segawa syndrome. Last evaluated: 2024-10-28. Review status: criteria provided, single submitter. Criteria: Natera Variant Classification Schema (03/2026). Collection method: clinical testing. Allele origin: germline.
Comment: The c.1234C>A variant in TH is a missense variant predicted to cause substitution of glutamine to lysine at amino acid 412. This variant is rare in the general population with a frequency below the threshold expected for the associated phenotype(s). Functional studies show that this variant may disrupt protein function (PMID: 26220941). Computational prediction algorithms indicate this variant is likely to affect gene or protein function. Given the available evidence, this variant is classified as Likely Pathogenic.

Baylor Genetics
Classification: Likely pathogenic for TH-deficient dopa-responsive dystonia. Last evaluated: 2024-03-02. Review status: criteria provided, single submitter. Criteria: ACMG Guidelines, 2015. Collection method: clinical testing. Allele origin: unknown.

Fulgent Genetics
Classification: Pathogenic for TH-deficient dopa-responsive dystonia. Last evaluated: 2024-02-09. Review status: criteria provided, single submitter. Criteria: ACMG Guidelines, 2015. Collection method: clinical testing. Allele origin: germline.

Labcorp Genetics (formerly Invitae), Labcorp
Classification: Pathogenic for TH-deficient dopa-responsive dystonia. Last evaluated: 2024-02-02. Review status: criteria provided, single submitter. Criteria: Invitae Variant Classification Sherloc (09022015). Collection method: clinical testing. Allele origin: germline.
Comment: This sequence change replaces glutamine, which is neutral and polar, with lysine, which is basic and polar, at codon 412 of the TH protein (p.Gln412Lys). This variant is present in population databases (rs121917762, gnomAD 0.0009%). This missense change has been observed in individuals with dopa-responsive dystonia (PMID: 7814018). It has also been observed to segregate with disease in related individuals. This variant is also known as Gln381Lys. ClinVar contains an entry for this variant (Variation ID: 12324). Advanced modeling of protein sequence and biophysical properties (such as structural, functional, and spatial information, amino acid conservation, physicochemical variation, residue mobility, and thermodynamic stability) has been performed at Invitae for this missense variant, however the output from this modeling did not meet the statistical confidence thresholds required to predict the impact of this variant on TH protein function. Experimental studies have shown that this missense change affects TH function (PMID: 8528210, 8817341, 24753243, 26220941). For these reasons, this variant has been classified as Pathogenic.

OMIM
Classification: Pathogenic for SEGAWA SYNDROME, AUTOSOMAL RECESSIVE. Last evaluated: 1999-06-01. Review status: no assertion criteria provided. Collection method: literature only. Allele origin: germline. Not counted in ClinVar's aggregate classification.

Literature cited by the submitters: PubMed 26220941 (cited by Natera, Inc. and Labcorp Genetics (formerly Invitae), Labcorp); PubMed 7814018 (cited by Labcorp Genetics (formerly Invitae), Labcorp and OMIM); PubMed 8528210 (cited by Labcorp Genetics (formerly Invitae), Labcorp and OMIM); PubMed 8817341 (cited by Labcorp Genetics (formerly Invitae), Labcorp); PubMed 24753243 (cited by Labcorp Genetics (formerly Invitae), Labcorp); PubMed 10407773 (cited by OMIM).